The following is an entry in ClinVar:

NM_000312.4(PROC):c.226G>A (p.Val76Met)

Gene: PROC (protein C, inactivator of coagulation factors Va and VIIIa; plus strand). Cytogenetic location: 2q14.3.
Variant type: single nucleotide variant.
Coding change: c.226G>A on transcript NM_000312.4 (MANE Select); coding-DNA position 226, G replaced by A.
Protein change: p.Val76Met; replaces valine 76 with methionine.
Molecular consequence: missense variant.
Genome position (GRCh38, 1-based): chr2:127,421,438, G>A. VCF-style: chr2-127421438-G-A. GRCh37 (hg19) VCF-style: chr2-128179014-G-A.
Other names: V34M; c.409G>A, p.Val137Met (NM_001375602.1); c.289G>A, p.Val97Met (NM_001375603.1, NM_001375604.1, NM_001375606.1); c.226G>A, p.Val76Met (NM_001375605.1, NM_001375608.1, NM_001375611.1 and 1 more transcripts); c.310G>A, p.Val104Met (NM_001375607.1); c.202G>A, p.Val68Met (NM_001375609.1); c.220G>A, p.Val74Met (NM_001375610.1); short protein forms V76M, V104M, V137M, V68M, V74M, V97M.
Identifiers: ClinVar variation 665 (VCV000000665.7), dbSNP rs121918149, ClinGen allele CA114404.

ClinVar aggregate classification (germline): Pathogenic/Likely pathogenic. Review status: criteria provided, multiple submitters, no conflicts (2 of 4 stars). 4 submissions from 4 submitters: Pathogenic (1); Likely pathogenic (1). 2 of the submissions do not count toward it. Last evaluated 2021-06-10.

Conditions:
Abnormal thrombosis. Identifiers: MedGen C4025731, HP:0001977.
Cerebral palsy. Identifiers: MedGen C0007789, MONDO:0006497, HP:0100021.
Thrombophilia due to protein C deficiency, autosomal recessive. Also called: PROC DEFICIENCY, AUTOSOMAL RECESSIVE; PROTEIN C DEFICIENCY, AUTOSOMAL RECESSIVE. Identifiers: Orphanet 745, MedGen C2676759, MONDO:0012860, OMIM 612304.
PROC-related disorder. Also called: PROC-related condition.

Allele frequency attached by ClinVar (database versions not stated): gnomAD exomes 0.00005 and 0.00013; ExAC 0.00008; gnomAD 0.00008; TOPMed 0.00009.

Submissions (4):

Neurogenetics Research Program, University of Adelaide
Classification: Likely pathogenic for Cerebral palsy. Last evaluated: 2021-06-10. Review status: criteria provided, single submitter. Criteria: ACMG Guidelines, 2015. Collection method: research. Allele origin: unknown. Affected: yes. Observed: 1 variant allele.

NIHR Bioresource Rare Diseases, University of Cambridge
Classification: Pathogenic for Abnormal thrombosis. Last evaluated: 2019-02-01. Review status: criteria provided, single submitter. Criteria: ACMG Guidelines, 2015. Collection method: research. Allele origin: unknown. Affected: yes. Observed: 1 heterozygote. Study: ThromboGenomics.

PreventionGenetics, part of Exact Sciences
Classification: Likely pathogenic for PROC-related condition. Last evaluated: 2024-07-17. Review status: no assertion criteria provided. Collection method: clinical testing. Allele origin: germline. Not counted in ClinVar's aggregate classification.
Comment: The PROC c.226G>A variant is predicted to result in the amino acid substitution p.Val76Met. This variant is also described with legacy nomenclature as p.Val34Met, and was reported along with a second potentially causative variant in three individuals from a single family with protein C deficiency (Long. 1992. PubMed ID: 1347706). This variant has also been reported in the heterozygous state in two patients with an unspecified bleeding, thrombotic, or platelet disorder (Wu. 2013. PubMed ID: 24051141; Table S3, Downes. 2019. PubMed ID: 31064749). In vitro functional studies found this variant results in decreased protein synthesis and reduced activation (Wu. 2013. PubMed ID: 24051141).This variant is reported in 0.010% of alleles in individuals of European (Non-Finnish) descent in gnomAD. This variant is interpreted as likely pathogenic.

OMIM
Classification: Pathogenic for THROMBOPHILIA DUE TO PROTEIN C DEFICIENCY, AUTOSOMAL RECESSIVE. Last evaluated: 1992-03-15. Review status: no assertion criteria provided. Collection method: literature only. Allele origin: germline. Not counted in ClinVar's aggregate classification.

Literature cited by the submitters: PubMed 24796542 (cited by Neurogenetics Research Program, University of Adelaide); PubMed 31064749 (cited by NIHR Bioresource Rare Diseases, University of Cambridge); PubMed 1347706 (cited by OMIM).